The following is an entry in ClinVar:

ClinVar aggregate classification (germline): Conflicting classifications of pathogenicity. Review status: criteria provided, conflicting classifications (1 of 4 stars). 9 submissions from 9 submitters: Pathogenic (5); Likely pathogenic (1); Uncertain significance (2). 1 of the submissions does not count toward it. Last evaluated 2026-08-01.

Conditions:
Autosomal recessive Alport syndrome (ATS2). Also called: COL4A3-Related Nephropathy; COL4A4 Alport Syndrome and Thin Basement Membrane Nephropathy; ALPORT SYNDROME 2, AUTOSOMAL RECESSIVE; Alport syndrome type 2. Identifiers: Orphanet 63, Orphanet 88919, MedGen C4746745, MONDO:0008762, OMIM 203780.
Hematuria, benign familial, 1 (BFH1). Also called: THIN MEMBRANE NEPHROPATHY. Identifiers: MedGen CN376803, MONDO:0007709, OMIM 141200.
Alport syndrome. Also called: Hemorrhagic familial nephritis; Hemorrhagic hereditary nephritis; Congenital hereditary hematuria. Identifiers: Orphanet 63, MedGen C1567741, MONDO:0018965.
Autosomal dominant Alport syndrome (ATS3A). Also called: ALPORT SYNDROME 3A, AUTOSOMAL DOMINANT; Alport syndrome dominant type; Renal failure and sensorineural hearing loss. Identifiers: Orphanet 63, Orphanet 88918, MedGen C5882663, MONDO:0007086, OMIM 104200.

Submissions (9):

CeGaT Center for Human Genetics Tuebingen
Classification: Pathogenic. Last evaluated: 2026-08-01. Review status: criteria provided, single submitter. Criteria: CeGaT Center For Human Genetics Tuebingen Variant Classification Criteria Version 2. Collection method: clinical testing. Allele origin: germline. Affected: yes. Observed: 1 variant allele.
Comment: COL4A4: PP1:Strong, PM2, PM4, PS4:Moderate

Myriad Genetics, Inc.
Classification: Pathogenic for Alport syndrome. Last evaluated: 2026-06-23. Review status: criteria provided, single submitter. Criteria: Myriad Autosomal Dominant, Autosomal Recessive and X-Linked Classification Criteria (2023). Collection method: clinical testing. Allele origin: unknown.
Comment: NM_000092.4(COL4A4):c.2628_2654dup27(R877_G885dup) is an in-frame insertion classified as pathogenic in the context of Alport syndrome, COL4A4-related. R877_G885dup has been observed in cases with relevant disease (PMID: 33838161, 38837003). Relevant functional assessments of this variant are not available in the literature. Internal structural analysis of the variant is supportive of pathogenicity. R877_G885dup has been observed in referenced population frequency databases. In summary, NM_000092.4(COL4A4):c.2628_2654dup27(R877_G885dup) is an in-frame insertion that has internal structural support for pathogenicity and has been observed more frequently in cases with the relevant disease than in healthy populations. Please note: this variant was assessed in the context of healthy population screening.

Natera, Inc.
Classification: Pathogenic for Alport syndrome. Last evaluated: 2025-03-24. Review status: criteria provided, single submitter. Criteria: Natera Variant Classification Schema (03/2026). Collection method: clinical testing. Allele origin: germline.
Comment: The c.2628_2654dupACGGCCTGGGGCACATGGTCCCCCAGG variant in COL4A4 is an in-frame duplication. This variant is rare in the general population with a frequency below the threshold expected for the associated phenotype(s). This variant has been observed in affected individual(s) with monoallelic occurrence (heterozygous/hemizygous) (PMID: 33838161, 38317457, 38837003, 38972501). Additionally, this variant has been observed to segregate in affected family members (PMID: 33838161). This variant is located in a functionally critical region of the protein. This variant results in a change to the protein length while preserving reading frame, which may disrupt normal protein structure or function. Given the available evidence, this variant is classified as Pathogenic.

Victorian Clinical Genetics Services, Murdoch Childrens Research Institute
Classification: Pathogenic for Alport syndrome. Last evaluated: 2025-01-10. Review status: criteria provided, single submitter. Criteria: ACMG Guidelines, 2015. Collection method: clinical testing. Allele origin: germline. Affected: yes.
Comment: This variant is classified as Pathogenic. Evidence in support of pathogenic classification: In-frame insertion/deletion in a non-repetitive region that has high conservation; Variant is present in gnomAD <0.01 (v4: 5 heterozygote(s), 0 homozygote(s)); This variant has strong previous evidence of pathogenicity in unrelated individuals. This variant has been classified as pathogenic and as VUS in ClinVar, and reported in the literature in multiple individuals with Alport syndrome (PMID: 33838161, LOVD); Variant is located in the well-established functional Gly-X-Y motif (DECIPHER). Additional information: This variant is heterozygous; This gene is associated with both recessive and dominant disease. Alport syndrome typically has biallelic inheritance, although rare cases of monoallelic inheritance have been reported (PMID: 28704582). Thin basement membrane nephropathy (TBMN) and focal segmental glomerulosclerosis (FSGS) are associated with autosomal dominant inheritance (OMIM, PMIDs: 16467446, 17942953); Loss of function is a known mechanism of disease for this gene and is associated with Alport syndrome. Dominant negative is a suspected mechanism of disease for this gene as it is a structural protein (PMIDs: 12028435, 24046192); Inheritance information for this variant is not currently available in this individual.

Fulgent Genetics
Classification: Likely pathogenic for Hematuria, benign familial, 1; Autosomal recessive Alport syndrome. Last evaluated: 2024-05-15. Review status: criteria provided, single submitter. Criteria: ACMG Guidelines, 2015. Collection method: clinical testing. Allele origin: germline.

Centro de Bioquimica y Genetica Clinica, Servicio Murciano de Salud
Classification: Pathogenic for Autosomal dominant Alport syndrome. Last evaluated: 2022-05-19. Review status: criteria provided, single submitter. Criteria: ACMG Guidelines, 2015. Collection method: clinical testing. Allele origin: inherited. Inheritance: Autosomal dominant inheritance. Affected: yes. Observed: 14 variant alleles, 14 heterozygotes. Clinical features observed: Microscopic hematuria (HP:0002907), Proteinuria (HP:0000093), Hearing impairment (HP:0000365).
Comment: The p.(Arg877_Glu885dup) variant does not produce a frameshift; however, it results in a 9 amino acid increase in the length of the α4 chain of type IV collagen, in a non-repetitive "triple helix" region of the protein. This variant has been identified in heterozygous state in 7 families from our internal database of patients with symptoms of Alport syndrome or familial microhematuria, and was absent in the rest of our patients without kidney disease. Segregation studies in three of the affected families showed that this duplication co-segregated with the presence of kidney disease. The c.2628_2654dup variant meets the ACMG criteria: PM1, PM2, PM4, PP1 and PS4, and is classified as Pathogenic

Labcorp Genetics (formerly Invitae), Labcorp
Classification: Uncertain significance. Last evaluated: 2021-08-31. Review status: criteria provided, single submitter. Criteria: Invitae Variant Classification Sherloc (09022015). Collection method: clinical testing. Allele origin: germline.
Comment: This variant, c.2628_2654dup, results in the insertion of 9 amino acid(s) to the COL4A4 protein (p.Arg877_Gly885dup), but otherwise preserves the integrity of the reading frame. This variant is not present in population databases (ExAC no frequency). This variant has not been reported in the literature in individuals affected with COL4A4-related conditions. ClinVar contains an entry for this variant (Variation ID: 422936). Algorithms developed to predict the effect of sequence changes on RNA splicing suggest that this variant may create or strengthen a splice site. In summary, the available evidence is currently insufficient to determine the role of this variant in disease. Therefore, it has been classified as a Variant of Uncertain Significance.

GeneDx
Classification: Uncertain significance. Last evaluated: 2016-12-23. Review status: criteria provided, single submitter. Criteria: GeneDx Variant Classification (06012015). Collection method: clinical testing. Allele origin: germline. Affected: yes.
Comment: The c.2628_2654dup27 variant in the COL4A4 gene has not been reported previously as a pathogenic variant nor as a benign variant, to our knowledge. The c.2628_2654dup27 variant causes an in-frame duplication of nine amino acid residues within the triple helical region of the COL4A4 protein, beginning with Arginine 877 and ending with Glycine 885, denoted p.Arg877_Gly885dup. The c.2628_2654dup27 variant was not observed in approximately 5,900 individuals of European and African American ancestry in the NHLBI Exome Sequencing Project, indicating it is not a common benign variant in these populations. We interpret c.2628_2654dup27 as a variant of uncertain significance.

Institute of Human Genetics, Cologne University
Classification: Uncertain significance for Autosomal recessive Alport syndrome. Review status: no assertion criteria provided. Collection method: clinical testing. Allele origin: unknown. Affected: yes. Observed: 1 variant allele, 1 heterozygote. Not counted in ClinVar's aggregate classification.

Literature cited by the submitters: PubMed 33838161 (cited by 3 submitters); PubMed 38837003 (cited by Myriad Genetics, Inc. and Natera, Inc.); PubMed 38317457 (cited by Natera, Inc.); PubMed 38972501 (cited by Natera, Inc.); PubMed 24046192 (cited by Victorian Clinical Genetics Services, Murdoch Childrens Research Institute); PubMed 16467446 (cited by Victorian Clinical Genetics Services, Murdoch Childrens Research Institute); PubMed 12028435 (cited by Victorian Clinical Genetics Services, Murdoch Childrens Research Institute); PubMed 28704582 (cited by Victorian Clinical Genetics Services, Murdoch Childrens Research Institute); PubMed 17942953 (cited by Victorian Clinical Genetics Services, Murdoch Childrens Research Institute).

NM_000092.5(COL4A4):c.2628_2654dup (p.Arg877_Gly885dup)

Gene: COL4A4 (collagen type IV alpha 4 chain; minus strand). Cytogenetic location: 2q36.3.
Variant type: Duplication.
Coding change: c.2628_2654dup on transcript NM_000092.5 (MANE Select); coding-DNA positions 2628 to 2654, 27 bases duplicated (ACGGCCTGGGGCACATGGTCCCCCAGG).
Protein change: p.Arg877_Gly885dup.
Molecular consequence: inframe insertion.
Genome position (GRCh38, 1-based): chr2:227,056,007-227,056,033, CCTGGGGGACCATGTGCCCCAGGCCGT duplicated on the plus strand (ACGGCCTGGGGCACATGGTCCCCCAGG on the coding strand, the reverse complement: COL4A4 is on the minus strand); duplicating any 27 consecutive bases within chr2:227,056,007-227,056,039 gives the same sequence; the c. name uses the placement nearest the transcript's 3' end. VCF-style (leftmost placement, unchanged base first): chr2-227056006-G-GCCTGGGGGACCATGTGCCCCAGGCCGT. GRCh37 (hg19) VCF-style: chr2-227920722-G-GCCTGGGGGACCATGTGCCCCAGGCCGT.
Other names: c.2628_2654dupACGGCCTGGGGCACATGGTCCCCCAGG (NM_000092.4); c.2628_2654dup (NM_000092.4).
Identifiers: ClinVar variation 422936 (VCV000422936.18), dbSNP rs1553641597, ClinGen allele CA16617486.
Genomic context (GRCh38, chr2:227,056,006, plus strand): 5'-CTTTGGACCTGGAGGACCAGGTAGCCCATCATCTCCAAAGGGACCTGGGATTCCTGGGAG[G>GCCTGGGGGACCATGTGCCCCAGGCCGT]CCTGGGGGACCATGTGCCCCAGGCCGTCCTGGGAGTCCGGGGAGGCCTTTCATTCCAGCT-3'